The following is an entry in ClinVar:

NM_001035.3(RYR2):c.10265A>G (p.Gln3422Arg)

Gene: RYR2 (ryanodine receptor 2; plus strand). Cytogenetic location: 1q43.
Variant type: single nucleotide variant.
Coding change: c.10265A>G on transcript NM_001035.3 (MANE Select); coding-DNA position 10265, A replaced by G.
Protein change: p.Gln3422Arg; replaces glutamine 3422 with arginine.
Molecular consequence: missense variant.
Genome position (GRCh38, 1-based): chr1:237,711,779, A>G. VCF-style: chr1-237711779-A-G. GRCh37 (hg19) VCF-style: chr1-237875079-A-G.
Other names: short protein forms Q3422R.
Identifiers: ClinVar variation 1769457 (VCV001769457.2), dbSNP rs2547427386, ClinGen allele CA345412572.

ClinVar aggregate classification (germline): Uncertain significance (1 of 4 stars; one submission).

Conditions:
Cardiovascular phenotype. Identifiers: MedGen CN230736.

Submission:

Ambry Genetics
Classification: Uncertain significance for Cardiovascular phenotype. Last evaluated: 2021-05-28. Review status: criteria provided, single submitter. Criteria: Ambry Variant Classification Scheme 2023. Collection method: clinical testing. Allele origin: germline.
Comment: The p.Q3422R variant (also known as c.10265A>G), located in coding exon 71 of the RYR2 gene, results from an A to G substitution at nucleotide position 10265. The glutamine at codon 3422 is replaced by arginine, an amino acid with highly similar properties. This amino acid position is well conserved in available vertebrate species. In addition, the in silico prediction for this alteration is inconclusive. Since supporting evidence is limited at this time, the clinical significance of this alteration remains unclear.